The following is an entry in ClinVar:

ClinVar aggregate classification (germline): Benign/Likely benign. Review status: criteria provided, multiple submitters, no conflicts (2 of 4 stars). 8 submissions from 7 submitters: Benign (4); Likely benign (4). Last evaluated 2026-02-02.

Conditions:
GM1 gangliosidosis. Identifiers: Orphanet 354, MedGen C0085131, MONDO:0018149.
Mucopolysaccharidosis, MPS-IV-B (MPS4B). Also called: MORQUIO SYNDROME B; Mucopolysaccharidosis Type IVB; Mucopolysaccharidosis type IV B; Mucopolysaccharidosis Type IVB (Morquio B Disease); Mucopolysaccharidosis type 4B; Mucopolysaccharidosis type IVB (Morquio). Identifiers: Orphanet 309310, Orphanet 582, MedGen C0086652, MONDO:0009660, OMIM 253010.

Allele frequency attached by ClinVar (database versions not stated): gnomAD 0.00538 and 0.00547; TOPMed 0.00612; 1000 Genomes Project 30x 0.00828; 1000 Genomes Project 0.00859; gnomAD exomes 0.00087 and 0.00222; ExAC 0.00242; ESP Exome Variant Server 0.00463.
gnomAD v4.1: 2,196 of 1,614,136 alleles (0.14%); highest among the groups gnomAD compares: African/African-American, 1.6%; 9 homozygotes.

Submissions (8):

Labcorp Genetics (formerly Invitae), Labcorp
Classification: Benign for Mucopolysaccharidosis, MPS-IV-B; GM1 gangliosidosis. Last evaluated: 2026-02-02. Review status: criteria provided, single submitter. Criteria: Invitae Variant Classification Sherloc (09022015). Collection method: clinical testing. Allele origin: germline.

Blueprint Genetics
Classification: Likely benign. Last evaluated: 2024-11-26. Review status: criteria provided, single submitter. Criteria: ACMG Guidelines, 2015. Collection method: clinical testing. Allele origin: germline.

Mayo Clinic Laboratories, Mayo Clinic
Classification: Benign. Last evaluated: 2024-04-09. Review status: criteria provided, single submitter. Criteria: ACMG Guidelines, 2015. Collection method: clinical testing. Allele origin: germline. Observed: 8 variant alleles.
Comment: BA1, BP4, BP7

GeneDx
Classification: Likely benign. Last evaluated: 2019-11-13. Review status: criteria provided, single submitter. Criteria: GeneDx Variant Classification Process June 2021. Collection method: clinical testing. Allele origin: germline. Affected: yes.

Illumina Laboratory Services, Illumina
Classification: Likely benign for GM1 gangliosidosis. Last evaluated: 2018-01-13. Review status: criteria provided, single submitter. Criteria: ICSL Variant Classification Criteria 13 December 2019. Collection method: clinical testing. Allele origin: germline.
Comment: This variant was observed in the ICSL laboratory as part of a predisposition screen in an ostensibly healthy population. It had not been previously curated by ICSL or reported in the Human Gene Mutation Database (HGMD: prior to June 1st, 2018), and was therefore a candidate for classification through an automated scoring system. Utilizing variant allele frequency, disease prevalence and penetrance estimates, and inheritance mode, an automated score was calculated to assess if this variant is too frequent to cause the disease. Based on the score and internal cut-off values, a variant classified as likely benign is not then subjected to further curation. The score for this variant resulted in a classification of likely benign for this disease.

Illumina Laboratory Services, Illumina
Classification: Benign for Mucopolysaccharidosis, MPS-IV-B. Last evaluated: 2018-01-13. Review status: criteria provided, single submitter. Criteria: ICSL Variant Classification Criteria 13 December 2019. Collection method: clinical testing. Allele origin: germline.
Comment: This variant was observed in the ICSL laboratory as part of a predisposition screen in an ostensibly healthy population. It had not been previously curated by ICSL or reported in the Human Gene Mutation Database (HGMD: prior to June 1st, 2018), and was therefore a candidate for classification through an automated scoring system. Utilizing variant allele frequency, disease prevalence and penetrance estimates, and inheritance mode, an automated score was calculated to assess if this variant is too frequent to cause the disease. Based on the score and internal cut-off values, a variant classified as benign is not then subjected to further curation. The score for this variant resulted in a classification of benign for this disease.

Breakthrough Genomics
Classification: Likely benign. Review status: criteria provided, single submitter. Criteria: ACMG Guidelines, 2015. Collection method: not provided. Allele origin: germline. Inheritance: Autosomal recessive inheritance. Affected: yes.

PreventionGenetics, part of Exact Sciences
Classification: Benign. Review status: criteria provided, single submitter. Criteria: ACMG Guidelines, 2015. Collection method: clinical testing. Allele origin: germline.

NM_000404.4(GLB1):c.756C>T (p.Phe252=)

Gene: GLB1 (galactosidase beta 1; minus strand). Cytogenetic location: 3p22.3.
Variant type: single nucleotide variant.
Coding change: c.756C>T on transcript NM_000404.4 (MANE Select); coding-DNA position 756, C replaced by T.
Protein change: p.Phe252=; no amino-acid change (phenylalanine 252 retained).
Molecular consequence: synonymous variant.
Genome position (GRCh38, 1-based): chr3:33,053,527, G>A on the plus strand (C>T on the coding strand, the complement: GLB1 is on the minus strand). VCF-style: chr3-33053527-G-A. GRCh37 (hg19) VCF-style: chr3-33095019-G-A.
Other names: p.Phe252=; c.666C>T, p.Phe222= (NM_001079811.3); c.363C>T, p.Phe121= (NM_001135602.3); c.900C>T, p.Phe300= (NM_001317040.2); c.756C>T, p.Phe252= (NM_001393580.1).
Identifiers: ClinVar variation 256026 (VCV000256026.22), dbSNP rs142326197, ClinGen allele CA2299608.
Genomic context (GRCh38, chr3:33,053,527, plus strand): 5'-ACACACCTCACCCTCGATTCTTACCAAGGGTCCTTTGGGCTCACACTTCCTCTGGCTTAG[G>A]AAAGCATCTGTGATGTTGCTGCCTGAAAATTGTAAGAGGGAGAAGGTAGGTCAGTCGTGG-3'
Protein context (NP_000395.3, residues 242-262): FGTGSNITDA[Phe252=]LSQRKCEPKG